The following is an entry in ClinVar:

ClinVar aggregate classification (germline): Uncertain significance (1 of 4 stars; one submission).

Allele frequency attached by ClinVar (database versions not stated): gnomAD exomes below 0.00001.
gnomAD v4.1: 5 of 1,614,180 alleles (0.00031%); highest among the groups gnomAD compares: Non-Finnish European, 0.00042%; no homozygotes.

Submission:

Ambry Genetics
Classification: Uncertain significance. Last evaluated: 2023-08-28. Review status: criteria provided, single submitter. Criteria: Ambry Variant Classification Scheme 2023. Collection method: clinical testing. Allele origin: germline.
Comment: The p.T162A variant (also known as c.484A>G), located in coding exon 2 of the GALNT12 gene, results from an A to G substitution at nucleotide position 484. The threonine at codon 162 is replaced by alanine, an amino acid with similar properties. This amino acid position is conserved. In addition, the in silico prediction for this alteration is inconclusive. Since supporting evidence is limited at this time, the clinical significance of this alteration remains unclear.

NM_024642.5(GALNT12):c.484A>G (p.Thr162Ala)

Gene: GALNT12 (polypeptide N-acetylgalactosaminyltransferase 12; plus strand). Cytogenetic location: 9q22.33.
Variant type: single nucleotide variant.
Coding change: c.484A>G on transcript NM_024642.5 (MANE Select); coding-DNA position 484, A replaced by G.
Protein change: p.Thr162Ala; replaces threonine 162 with alanine.
Molecular consequence: missense variant.
Genome position (GRCh38, 1-based): chr9:98,823,368, A>G. VCF-style: chr9-98823368-A-G. GRCh37 (hg19) VCF-style: chr9-101585650-A-G.
Other names: short protein forms T162A.
Identifiers: ClinVar variation 2586469 (VCV002586469.2), dbSNP rs2490492602, ClinGen allele CA374216799.